The following is an entry in ClinVar:

ClinVar aggregate classification (germline): Uncertain significance (1 of 4 stars; one submission).

Conditions:
Nephronophthisis. Also called: Juvenile Nephronophthisis. Identifiers: Orphanet 655, MedGen C0687120, MONDO:0019005, HP:0000090.

gnomAD v4.1: 4 of 1,603,346 alleles (0.00025%); highest among the groups gnomAD compares: South Asian, 0.0011%; no homozygotes.

Submission:

Labcorp Genetics (formerly Invitae), Labcorp
Classification: Uncertain significance for Nephronophthisis. Last evaluated: 2022-02-18. Review status: criteria provided, single submitter. Criteria: Invitae Variant Classification Sherloc (09022015). Collection method: clinical testing. Allele origin: germline.
Comment: This variant is not present in population databases (gnomAD no frequency). In summary, the available evidence is currently insufficient to determine the role of this variant in disease. Therefore, it has been classified as a Variant of Uncertain Significance. Algorithms developed to predict the effect of missense changes on protein structure and function are either unavailable or do not agree on the potential impact of this missense change (SIFT: "Tolerated"; PolyPhen-2: "Possibly Damaging"; Align-GVGD: "Class C0"). This variant has not been reported in the literature in individuals affected with NPHP4-related conditions. This sequence change replaces arginine, which is basic and polar, with glycine, which is neutral and non-polar, at codon 740 of the NPHP4 protein (p.Arg740Gly).

NM_015102.5(NPHP4):c.2218C>G (p.Arg740Gly)

Gene: NPHP4 (nephrocystin 4; minus strand). Cytogenetic location: 1p36.31.
Variant type: single nucleotide variant.
Coding change: c.2218C>G on transcript NM_015102.5 (MANE Select); coding-DNA position 2218, C replaced by G.
Protein change: p.Arg740Gly; replaces arginine 740 with glycine.
Molecular consequence: missense variant. On other transcripts: non-coding transcript variant (1).
Genome position (GRCh38, 1-based): chr1:5,890,954, G>C on the plus strand (C>G on the coding strand, the complement: NPHP4 is on the minus strand). VCF-style: chr1-5890954-G-C. GRCh37 (hg19) VCF-style: chr1-5951014-G-C.
Other names: c.679C>G, p.Arg227Gly (NM_001291593.2); c.682C>G, p.Arg228Gly (NM_001291594.2); short protein forms R227G, R740G, R228G.
Identifiers: ClinVar variation 1960099 (VCV001960099.5), dbSNP rs766088144, ClinGen allele CA338059464.